The following continues an entry in ClinVar:

NM_000051.4(ATM):c.1564_1565del (p.Glu522fs)

Gene: ATM. ClinVar aggregate classification (germline): Pathogenic. Pathogenic (1).

Submissions 11 to 26 of 46:

Natera, Inc.
Classification: Pathogenic for Ataxia-telangiectasia. Last evaluated: 2025-04-14. Review status: criteria provided, single submitter. Criteria: Natera Variant Classification Schema (03/2026). Collection method: clinical testing. Allele origin: germline. Not counted in ClinVar's aggregate classification.
Comment: The c.1564_1565delGA variant in ATM is a frameshift variant predicted to shift the reading frame beginning at codon 522 and leads to a stop codon 43 codons downstream. This variant may result in a truncated or dysfunctional protein product. This variant is rare in the general population with a frequency below the threshold expected for the associated phenotype(s). This variant has been observed in one or more individuals affected with the associated recessive disease, as either homozygous or compound heterozygous with a second variant (PMID: 22213089, 10817650). Additionally, this variant has been observed to segregate in affected family members (PMID: 22213089, 10817650). Given the available evidence, this variant is classified as Pathogenic.

Institute of Human Genetics Munich, TUM University Hospital
Classification: Pathogenic for Familial cancer of breast. Last evaluated: 2025-02-11. Review status: criteria provided, single submitter. Criteria: Classification criteria August 2017. Collection method: clinical testing. Allele origin: germline. Inheritance: Autosomal dominant inheritance. Affected: yes. Observed: 1 variant allele. Not counted in ClinVar's aggregate classification.

Johns Hopkins Genomics, Johns Hopkins University
Classification: Pathogenic for Ataxia-telangiectasia syndrome. Last evaluated: 2025-01-22. Review status: criteria provided, single submitter. Criteria: ACMG Guidelines, 2015. Collection method: clinical testing. Allele origin: germline. Not counted in ClinVar's aggregate classification.
Comment: This ATM variant (rs1374409941) is rare (<0.1%) in a large population dataset (gnomAD: 14/250850 total alleles; 0.006%; no homozygotes) and has been reported in ClinVar. This variant, also known as 1561_1562delAG, 1563_1564delAG, and 1562delAG, has been observed in the heterozygous state in individuals with breast, pancreatic, and other cancers. In addition, this variant has been reported in the homozygous state and in the compound heterozygous state with a second pathogenic ATM variant in individuals affected with ataxia-telangiectasia. This frameshift variant (p.Glu522fs) in exon 10 of 63 results in a premature termination codon (PTC) likely leading to nonsense-mediated decay and lack of protein production. We consider c.1564_1565del to be pathogenic.

Color Diagnostics, LLC DBA Color Health
Classification: Pathogenic for Hereditary cancer-predisposing syndrome. Last evaluated: 2025-01-21. Review status: criteria provided, single submitter. Criteria: ACMG Guidelines, 2015. Collection method: clinical testing. Allele origin: germline. Not counted in ClinVar's aggregate classification.
Comment: This variant deletes 2 nucleotides in exon 10 of the ATM gene, creating a frameshift and premature translation stop signal. This variant is expected to result in an absent or non-functional protein product. This variant has been reported in individuals affected with breast cancer (PMID: 16652348, 17393301, 29785153), pancreatic cancer (PMID: 29945567, 30067863), and gastric cancer (PMID: 31514334). This variant has also been reported in the homozygous state and in the compound heterozygous state with an additional ATM pathogenic variant in individuals affected with ataxia-telangiectasia (PMID: 10817650, 22213089, 30772474). This variant has been identified in 14/250850 chromosomes in the general population by the Genome Aggregation Database (gnomAD). Loss of ATM function is a known mechanism of disease. Based on the available evidence, this variant is classified as Pathogenic.

Ambry Genetics
Classification: Pathogenic for Hereditary cancer-predisposing syndrome. Last evaluated: 2024-10-23. Review status: criteria provided, single submitter. Criteria: Ambry Variant Classification Scheme 2023. Collection method: clinical testing. Allele origin: germline. Not counted in ClinVar's aggregate classification.
Comment: The c.1564_1565delGA pathogenic mutation, located in coding exon 9 of the ATM gene, results from a deletion of two nucleotides at nucleotide positions 1564 to 1565, causing a translational frameshift with a predicted alternate stop codon (p.E522Ifs*43). This alteration is a commonly recurring mutation in Ataxia-Telangiectasia cohorts and has been observed in both the homozygous and compound heterozygous states (Byrd PJ et al. Hum. Mol. Genet. 1996 Jan;5:145-9; McConville CM et al. Am. J. Hum. Genet. 1996 Aug;59:320-30; Broeks A et al. Hum. Mutat. 1998;12:330-7; Stankovic T et al. Am. J. Hum. Genet. 1998 Feb;62:334-45; Sandoval N et al. Hum. Mol. Genet. 1999 Jan;8:69-79; Teraoka SN et al. Am. J. Hum. Genet. 1999 Jun;64:1617-31; Li A and Swift M. Am. J. Med. Genet. 2000 May;92:170-7; Verhagen MM et al. Neuropediatrics. 2007 Jun;38:117-21; Verhagen MM et al. Neurology. 2009 Aug;73:430-7; Reiman A et al. Br. J. Cancer. 2011 Aug;105:586-91; Demuth I et al. Neurogenetics. 2011 Nov;12:273-82; Verhagen MM et al. Hum. Mutat. 2012 Mar;33:561-71; van Os NJH et al. Clin. Immunol. 2017 05;178:45-55). This mutation has also been observed in patients with breast cancer (Hansford S et al. JAMA Oncol. 2015 Apr;1:23-32; Seifert BA et al. Clin. Cancer Res. 2016 Aug;22:4087-4094; Decker B et al. J. Med. Genet. 2017 Nov;54:732-741; Hauke J et al. Cancer Med. 2018 Apr;7:1349-1358). Additionally, this mutation has been identified in multiple cohorts of patients with pancreatic cancer (Shindo K et al. J. Clin. Oncol. 2017 Oct;35:3382-3390; Young EL et al. BMC Cancer. 2018 Jun;18:697; Dudley B et al. Cancer. 2018 Apr;124:1691-1700; Brand R et al. Cancer. 2018 Aug;[Epub ahead of print]). Of note, this alteration is also designated as 1560CAG>C, 1561delAG, 1561_1562delAG, 1563delAG, and 1563_1564delAG in published literature. In addition to the clinical data presented in the literature, this alteration is expected to result in loss of function by premature protein truncation or nonsense-mediated mRNA decay. As such, this alteration is interpreted as a disease-causing mutation.

Blueprint Genetics
Classification: Pathogenic for ATM-related disorders. Last evaluated: 2024-08-20. Review status: criteria provided, single submitter. Criteria: ACMG Guidelines, 2015. Collection method: clinical testing. Allele origin: germline. Affected: yes. Observed: 5 variant alleles. Not counted in ClinVar's aggregate classification.

Quest Diagnostics Nichols Institute San Juan Capistrano
Classification: Pathogenic. Last evaluated: 2024-08-17. Review status: criteria provided, single submitter. Criteria: Quest Diagnostics criteria. Collection method: clinical testing. Allele origin: unknown. Not counted in ClinVar's aggregate classification.
Comment: The ATM c.1564_1565del (p.Glu522Ilefs*43) variant alters the translational reading frame of the ATM mRNA and causes the premature termination of ATM protein synthesis. This variant has been reported in the published literature in individuals affected with ataxia-telangiectasia (PMIDs: 30772474 (2019), 21965147 (2011), 10817650 (2000), 10330348 (1999)) and breast cancer (PMIDs: 29785153 (2018), 26681312 (2015)). The frequency of this variant in the general population, 0.00011 (12/113526 chromosomes (Genome Aggregation Database)), is consistent with pathogenicity. Based on the available information, this variant is classified as pathogenic.

Center for Genomic Medicine, Rigshospitalet, Copenhagen University Hospital
Classification: Pathogenic. Last evaluated: 2024-07-31. Review status: criteria provided, single submitter. Criteria: ACMG Guidelines, 2015. Collection method: clinical testing. Allele origin: germline. Not counted in ClinVar's aggregate classification.

Baylor Genetics
Classification: Pathogenic for Familial cancer of breast. Last evaluated: 2024-03-21. Review status: criteria provided, single submitter. Criteria: ACMG Guidelines, 2015. Collection method: clinical testing. Allele origin: unknown. Not counted in ClinVar's aggregate classification.

Fulgent Genetics
Classification: Pathogenic for Familial cancer of breast; Ataxia-telangiectasia syndrome. Last evaluated: 2024-03-07. Review status: criteria provided, single submitter. Criteria: ACMG Guidelines, 2015. Collection method: clinical testing. Allele origin: germline. Not counted in ClinVar's aggregate classification.

Clinical Genetics Laboratory, Skane University Hospital Lund
Classification: Pathogenic. Last evaluated: 2024-03-04. Review status: criteria provided, single submitter. Criteria: ACMG Guidelines, 2015. Collection method: clinical testing. Allele origin: germline. Affected: yes. Not counted in ClinVar's aggregate classification.

Myriad Genetics, Inc.
Classification: Pathogenic for Familial cancer of breast. Last evaluated: 2024-01-17. Review status: criteria provided, single submitter. Criteria: Myriad Autosomal Dominant, Autosomal Recessive and X-Linked Classification Criteria (2023). Collection method: clinical testing. Allele origin: unknown. Not counted in ClinVar's aggregate classification.
Comment: This variant is considered pathogenic. This variant creates a frameshift predicted to result in premature protein truncation.

Institute for Clinical Genetics, University Hospital TU Dresden, University Hospital TU Dresden
Classification: Pathogenic. Last evaluated: 2023-04-12. Review status: criteria provided, single submitter. Criteria: ACMG Guidelines, 2015. Collection method: clinical testing. Allele origin: paternal. Not counted in ClinVar's aggregate classification.
Comment: PVS1, PS4, PM2_SUP, PM3

Centre for Mendelian Genomics, University Medical Centre Ljubljana
Classification: Pathogenic for Familial cancer of breast. Last evaluated: 2022-12-09. Review status: criteria provided, single submitter. Criteria: ACMG Guidelines, 2015. Collection method: research. Allele origin: germline. Affected: no. Not counted in ClinVar's aggregate classification.
Comment: PVS1, PM3_VSTR

CHEO Genetics Diagnostic Laboratory, Children's Hospital of Eastern Ontario
Classification: Pathogenic for Breast and/or ovarian cancer. Last evaluated: 2022-09-28. Review status: criteria provided, single submitter. Criteria: ACMG Guidelines, 2015. Collection method: clinical testing. Allele origin: germline. Not counted in ClinVar's aggregate classification.

MGZ Medical Genetics Center
Classification: Pathogenic for Familial cancer of breast. Last evaluated: 2022-05-23. Review status: criteria provided, single submitter. Criteria: ACMG Guidelines, 2015. Collection method: clinical testing. Allele origin: germline. Affected: yes. Observed: 1 variant allele. Not counted in ClinVar's aggregate classification.
Comment: ACMG criteria applied: PVS1, PM3_STR, PS4_MOD, PM2_SUP